The following is an entry in ClinVar:

ClinVar aggregate classification (germline): Uncertain significance (1 of 4 stars; one submission).

Conditions:
Idiopathic generalized epilepsy. Also called: Generalised epilepsy; EIG. Identifiers: MedGen C0270850, MONDO:0005579, OMIM 600669.
Hyperaldosteronism, familial, type IV (HALD4). Also called: FH IV; ALDOSTERONISM, PRIMARY, AND HYPERTENSION. Identifiers: Orphanet 642671, MedGen C4310756, MONDO:0014875, OMIM 617027.

Allele frequency attached by ClinVar (database versions not stated): TOPMed below 0.00001.
gnomAD v4.1: 1 of 1,333,548 alleles (0.000075%); no homozygotes.

Submission:

Labcorp Genetics (formerly Invitae), Labcorp
Classification: Uncertain significance for Idiopathic generalized epilepsy; Hyperaldosteronism, familial, type IV. Last evaluated: 2024-04-25. Review status: criteria provided, single submitter. Criteria: Invitae Variant Classification Sherloc (09022015). Collection method: clinical testing. Allele origin: germline.
Comment: This sequence change replaces serine, which is neutral and polar, with arginine, which is basic and polar, at codon 91 of the CACNA1H protein (p.Ser91Arg). This variant is not present in population databases (gnomAD no frequency). This variant has not been reported in the literature in individuals affected with CACNA1H-related conditions. ClinVar contains an entry for this variant (Variation ID: 661247). Advanced modeling of protein sequence and biophysical properties (such as structural, functional, and spatial information, amino acid conservation, physicochemical variation, residue mobility, and thermodynamic stability) performed at Invitae indicates that this missense variant is not expected to disrupt CACNA1H protein function with a negative predictive value of 80%. In summary, the available evidence is currently insufficient to determine the role of this variant in disease. Therefore, it has been classified as a Variant of Uncertain Significance.

NM_021098.3(CACNA1H):c.273C>G (p.Ser91Arg)

Gene: CACNA1H (calcium voltage-gated channel subunit alpha1 H; plus strand). Cytogenetic location: 16p13.3.
Variant type: single nucleotide variant.
Coding change: c.273C>G on transcript NM_021098.3 (MANE Select); coding-DNA position 273, C replaced by G.
Protein change: p.Ser91Arg; replaces serine 91 with arginine.
Molecular consequence: missense variant.
Genome position (GRCh38, 1-based): chr16:1,154,010, C>G. VCF-style: chr16-1154010-C-G. GRCh37 (hg19) VCF-style: chr16-1204010-C-G.
Other names: c.273C>G, p.Ser91Arg (NM_001005407.2); short protein forms S91R.
Identifiers: ClinVar variation 661247 (VCV000661247.8), dbSNP rs1043511168, ClinGen allele CA394145985.